The following is an entry in ClinVar:

ClinVar aggregate classification (germline): Pathogenic (1 of 4 stars; one submission).

Conditions:
Congenital disorder of glycosylation, type IIq. Also called: CDG IIq. Identifiers: Orphanet 435934, MedGen C4479353, MONDO:0054559, OMIM 617395.

Submission:

Women's Health and Genetics/Laboratory Corporation of America, LabCorp
Classification: Pathogenic for Congenital disorder of glycosylation, type IIq. Last evaluated: 2024-04-03. Review status: criteria provided, single submitter. Criteria: LabCorp Variant Classification Summary - May 2015. Collection method: clinical testing. Allele origin: germline.
Comment: Variant summary: The variant involves the deletion of exons 11-12 in the COG2 gene. A presumed nomenclature of c.(1166+1_1167-1)_(1380+1_1381-1)del has been designated for the purposes of this classification. This Copy Number Variant (CNV) is expected to alter the reading frame and predicted to result in a truncation or absence of the encoded protein due to nonsense mediated decay (NMD). The variant was absent in 21694 control chromosomes in the gnomAD database (Structural Variants v2.1 dataset). To our knowledge, no occurrence of c.(1166+1_1167-1)_(1380+1_1381-1)del in individuals affected with Congenital Disorder Of Glycosylation, Type IIq and no experimental evidence demonstrating its impact on protein function have been reported. No submitters have cited clinical-significance assessments for this variant to ClinVar. Based on the evidence outlined above, the variant was classified as pathogenic.

NC_000001.10:g.(230814799_230819319)_(230820983_230822680)del

Gene: COG2 (component of oligomeric golgi complex 2; plus strand). Cytogenetic location: 1q42.2.
Variant type: Deletion.
Identifiers: ClinVar variation 3251550 (VCV003251550.1).